The following is an entry in ClinVar:

ClinVar aggregate classification (germline): Pathogenic (1 of 4 stars; one submission).

Submission:

Labcorp Genetics (formerly Invitae), Labcorp
Classification: Pathogenic. Last evaluated: 2025-04-22. Review status: criteria provided, single submitter. Criteria: Invitae Variant Classification Sherloc (09022015). Collection method: clinical testing. Allele origin: germline.
Comment: This sequence change creates a premature translational stop signal (p.Trp135*) in the PAFAH1B1 gene. It is expected to result in an absent or disrupted protein product. Loss-of-function variants in PAFAH1B1 are known to be pathogenic (PMID: 1671808, 11115846, 14581661). This variant is not present in population databases (gnomAD no frequency). This variant has not been reported in the literature in individuals affected with PAFAH1B1-related conditions. For these reasons, this variant has been classified as Pathogenic.

Literature cited by the submitters: PubMed 1671808; PubMed 11115846; PubMed 14581661.

NM_000430.4(PAFAH1B1):c.404G>A (p.Trp135Ter)

Gene: PAFAH1B1 (platelet activating factor acetylhydrolase 1b regulatory subunit 1; plus strand). Cytogenetic location: 17p13.3.
Variant type: single nucleotide variant.
Coding change: c.404G>A on transcript NM_000430.4 (MANE Select); coding-DNA position 404, G replaced by A.
Protein change: p.Trp135Ter; replaces tryptophan 135 with a stop codon.
Molecular consequence: nonsense.
Genome position (GRCh38, 1-based): chr17:2,670,167, G>A. VCF-style: chr17-2670167-G-A. GRCh37 (hg19) VCF-style: chr17-2573461-G-A.
Other names: short protein forms W135*.
Identifiers: ClinVar variation 4718142 (VCV004718142.1).